The following is an entry in ClinVar:

ClinVar aggregate classification (germline): Uncertain significance (1 of 4 stars; one submission).

Conditions:
Ataxia-telangiectasia syndrome (AT). Also called: ATAXIA-TELANGIECTASIA, COMPLEMENTATION GROUP A; ATAXIA-TELANGIECTASIA, FRESNO VARIANT; LOUIS-BAR SYNDROME; Ataxia-telangiectasia, complementation group D; Ataxia-telangiectasia, complementation group E; Cerebello-oculocutaneous telangiectasia. Identifiers: Orphanet 100, MedGen C0004135, MONDO:0008840, OMIM 208900.

Submission:

Labcorp Genetics (formerly Invitae), Labcorp
Classification: Uncertain significance for Ataxia-telangiectasia syndrome. Last evaluated: 2024-05-05. Review status: criteria provided, single submitter. Criteria: Invitae Variant Classification Sherloc (09022015). Collection method: clinical testing. Allele origin: germline.
Comment: This sequence change replaces phenylalanine, which is neutral and non-polar, with cysteine, which is neutral and slightly polar, at codon 918 of the ATM protein (p.Phe918Cys). This variant is not present in population databases (gnomAD no frequency). This variant has not been reported in the literature in individuals affected with ATM-related conditions. An algorithm developed to predict the effect of missense changes on protein structure and function (PolyPhen-2) suggests that this variant is likely to be disruptive. In summary, the available evidence is currently insufficient to determine the role of this variant in disease. Therefore, it has been classified as a Variant of Uncertain Significance.

NM_000051.4(ATM):c.2753T>G (p.Phe918Cys)

Gene: ATM (ATM serine/threonine kinase; plus strand). Cytogenetic location: 11q22.3.
Variant type: single nucleotide variant.
Coding change: c.2753T>G on transcript NM_000051.4 (MANE Select); coding-DNA position 2753, T replaced by G.
Protein change: p.Phe918Cys; replaces phenylalanine 918 with cysteine.
Molecular consequence: missense variant.
Genome position (GRCh38, 1-based): chr11:108,268,524, T>G. VCF-style: chr11-108268524-T-G. GRCh37 (hg19) VCF-style: chr11-108139251-T-G.
Other names: c.2753T>G, p.Phe918Cys (NM_001351834.2); short protein forms F918C.
Identifiers: ClinVar variation 3652233 (VCV003652233.2).